The following is an entry in ClinVar:

ClinVar aggregate classification (germline): Uncertain significance. Review status: criteria provided, multiple submitters, no conflicts (2 of 4 stars). 2 submissions from 2 submitters: Uncertain significance (2). Last evaluated 2025-08-21.

Conditions:
Congenital muscular dystrophy due to integrin alpha-7 deficiency. Also called: Congenital muscular dystrophy with integrin alpha-7 deficiency; MYOPATHY, CONGENITAL, DUE TO INTEGRIN ALPHA-7 DEFICIENCY; Muscular dystrophy, congenital, due to ITGA7 deficiency. Identifiers: Orphanet 34520, MedGen C2750786, MONDO:0013177, OMIM 613204.

Allele frequency attached by ClinVar (database versions not stated): gnomAD 0.00001 and 0.00002; ExAC 0.00002; gnomAD exomes 0.00002; TOPMed 0.00002.
gnomAD v4.1: 38 of 1,613,906 alleles (0.0024%); highest among the groups gnomAD compares: South Asian, 0.0044%; no homozygotes.

Submissions (2):

Ambry Genetics
Classification: Uncertain significance. Last evaluated: 2025-08-21. Review status: criteria provided, single submitter. Criteria: Ambry Variant Classification Scheme 2023. Collection method: clinical testing. Allele origin: germline.

Labcorp Genetics (formerly Invitae), Labcorp
Classification: Uncertain significance for Congenital muscular dystrophy due to integrin alpha-7 deficiency. Last evaluated: 2021-10-28. Review status: criteria provided, single submitter. Criteria: Invitae Variant Classification Sherloc (09022015). Collection method: clinical testing. Allele origin: germline.
Comment: In summary, the available evidence is currently insufficient to determine the role of this variant in disease. Therefore, it has been classified as a Variant of Uncertain Significance. Algorithms developed to predict the effect of missense changes on protein structure and function are either unavailable or do not agree on the potential impact of this missense change (SIFT: "Tolerated"; PolyPhen-2: "Probably Damaging"; Align-GVGD: "Class C0"). This variant has not been reported in the literature in individuals affected with ITGA7-related conditions. This variant is present in population databases (rs764412210, gnomAD 0.006%). This sequence change replaces serine, which is neutral and polar, with leucine, which is neutral and non-polar, at codon 852 of the ITGA7 protein (p.Ser852Leu).

NM_002206.3(ITGA7):c.2555C>T (p.Ser852Leu)

Gene: ITGA7 (integrin subunit alpha 7; minus strand). Cytogenetic location: 12q13.2.
Variant type: single nucleotide variant.
Coding change: c.2555C>T on transcript NM_002206.3 (MANE Select); coding-DNA position 2555, C replaced by T.
Protein change: p.Ser852Leu; replaces serine 852 with leucine.
Molecular consequence: missense variant.
Genome position (GRCh38, 1-based): chr12:55,693,298, G>A on the plus strand (C>T on the coding strand, the complement: ITGA7 is on the minus strand). VCF-style: chr12-55693298-G-A. GRCh37 (hg19) VCF-style: chr12-56087082-G-A.
Other names: c.2567C>T, p.Ser856Leu (NM_001144996.2); c.2276C>T, p.Ser759Leu (NM_001144997.2); c.2228C>T, p.Ser743Leu (NM_001367993.1); c.1211C>T, p.Ser404Leu (NM_001367994.1); c.2537C>T, p.Ser846Leu (NM_001374465.1); c.2687C>T, p.Ser896Leu (NM_001410977.1); c.2549C>T, p.Ser850Leu (NM_001414029.1); c.2480C>T, p.Ser827Leu (NM_001414030.1); and 6 more; short protein forms S743L, S846L, S759L, S852L, S404L, S856L, S896L, S791L.
Identifiers: ClinVar variation 1411891 (VCV001411891.7), dbSNP rs764412210, ClinGen allele CA6615532.